The following is an entry in ClinVar:

ClinVar aggregate classification (germline): Pathogenic/Likely pathogenic. Review status: criteria provided, multiple submitters, no conflicts (2 of 4 stars). 2 submissions from 2 submitters: Pathogenic (1); Likely pathogenic (1). Last evaluated 2025-01-14.

Submissions (2):

GeneDx
Classification: Likely pathogenic. Last evaluated: 2025-01-14. Review status: criteria provided, single submitter. Criteria: GeneDx Variant Classification Process June 2021. Collection method: clinical testing. Allele origin: germline. Affected: yes.
Comment: Nonsense variant predicted to result in protein truncation or nonsense mediated decay in a gene for which loss of function is a known mechanism of disease; Not observed at significant frequency in large population cohorts (gnomAD); Has not been previously published as pathogenic or benign to our knowledge

Labcorp Genetics (formerly Invitae), Labcorp
Classification: Pathogenic. Last evaluated: 2022-06-27. Review status: criteria provided, single submitter. Criteria: Invitae Variant Classification Sherloc (09022015). Collection method: clinical testing. Allele origin: germline.
Comment: This sequence change creates a premature translational stop signal (p.Gln781*) in the AEBP1 gene. It is expected to result in an absent or disrupted protein product. Loss-of-function variants in AEBP1 are known to be pathogenic (PMID: 29606302). This variant is not present in population databases (gnomAD no frequency). This variant has not been reported in the literature in individuals affected with AEBP1-related conditions. For these reasons, this variant has been classified as Pathogenic.

Literature cited by the submitters: PubMed 29606302 (cited by Labcorp Genetics (formerly Invitae), Labcorp).

NM_001129.5(AEBP1):c.2341C>T (p.Gln781Ter)

Gene: AEBP1 (AE binding protein 1; plus strand). Cytogenetic location: 7p13.
Variant type: single nucleotide variant.
Coding change: c.2341C>T on transcript NM_001129.5 (MANE Select); coding-DNA position 2341, C replaced by T.
Protein change: p.Gln781Ter; replaces glutamine 781 with a stop codon.
Molecular consequence: nonsense.
Genome position (GRCh38, 1-based): chr7:44,112,681, C>T. VCF-style: chr7-44112681-C-T. GRCh37 (hg19) VCF-style: chr7-44152280-C-T.
Other names: c.2341C>T (NM_001129.4); short protein forms Q781*.
Identifiers: ClinVar variation 2073909 (VCV002073909.2), dbSNP rs773274347, ClinGen allele CA367370794.